The following is an entry in ClinVar:

ClinVar aggregate classification (germline): Uncertain significance (1 of 4 stars; one submission).

Submission:

Labcorp Genetics (formerly Invitae), Labcorp
Classification: Uncertain significance. Last evaluated: 2022-10-26. Review status: criteria provided, single submitter. Criteria: Invitae Variant Classification Sherloc (09022015). Collection method: clinical testing. Allele origin: germline.
Comment: In summary, the available evidence is currently insufficient to determine the role of this variant in disease. Therefore, it has been classified as a Variant of Uncertain Significance. Algorithms developed to predict the effect of missense changes on protein structure and function are either unavailable or do not agree on the potential impact of this missense change (SIFT: "Tolerated"; PolyPhen-2: "Possibly Damaging"; Align-GVGD: "Class C15"). This variant has not been reported in the literature in individuals affected with CCDC141-related conditions. This variant is not present in population databases (gnomAD no frequency). This sequence change replaces alanine, which is neutral and non-polar, with serine, which is neutral and polar, at codon 756 of the CCDC141 protein (p.Ala756Ser).

NM_173648.4(CCDC141):c.2266G>T (p.Ala756Ser)

Gene: CCDC141 (coiled-coil domain containing 141; minus strand). Cytogenetic location: 2q31.2.
Variant type: single nucleotide variant.
Coding change: c.2266G>T on transcript NM_173648.4 (MANE Select); coding-DNA position 2266, G replaced by T.
Protein change: p.Ala756Ser; replaces alanine 756 with serine.
Molecular consequence: missense variant.
Genome position (GRCh38, 1-based): chr2:178,869,245, C>A on the plus strand (G>T on the coding strand, the complement: CCDC141 is on the minus strand). VCF-style: chr2-178869245-C-A. GRCh37 (hg19) VCF-style: chr2-179733972-C-A.
Other names: short protein forms A756S.
Identifiers: ClinVar variation 2040574 (VCV002040574.4), dbSNP rs2535445436, ClinGen allele CA349458340.